The following is an entry in ClinVar:

ClinVar aggregate classification (germline): Conflicting classifications of pathogenicity. Review status: criteria provided, conflicting classifications (1 of 4 stars). 2 submissions from 2 submitters: Uncertain significance (1); Likely benign (1). Last evaluated 2026-03-24.

Conditions:
Kabuki syndrome. Also called: Kabuki make-up syndrome; NIIKAWA-KUROKI SYNDROME. Identifiers: Orphanet 2322, MedGen C0796004, MONDO:0016512.
KMT2D-related disorder. Also called: KMT2D-Related Disorders.

Submissions (2):

PreventionGenetics, part of Exact Sciences
Classification: Uncertain significance for KMT2D-related condition. Last evaluated: 2026-03-24. Review status: criteria provided, single submitter. Criteria: ACMG Guidelines, 2015. Collection method: clinical testing. Allele origin: germline.
Comment: The KMT2D c.3583A>G variant is predicted to result in the amino acid substitution p.Thr1195Ala. To our knowledge, this variant has not been reported in the literature or in a large population database (gnomAD), indicating this variant is rare. At this time, the clinical significance of this variant is uncertain due to the absence of conclusive functional and genetic evidence.

Labcorp Genetics (formerly Invitae), Labcorp
Classification: Likely benign for Kabuki syndrome. Last evaluated: 2022-07-06. Review status: criteria provided, single submitter. Criteria: Invitae Variant Classification Sherloc (09022015). Collection method: clinical testing. Allele origin: germline.

NM_003482.4(KMT2D):c.3583A>G (p.Thr1195Ala)

Genes: KMT2D (lysine methyltransferase 2D; minus strand), LOC126861520 (CDK7 strongly-dependent group 2 enhancer GRCh37_chr12:49442744-49443943; plus strand). Cytogenetic location: 12q13.12.
Variant type: single nucleotide variant.
Coding change: c.3583A>G on transcript NM_003482.4 (MANE Select); coding-DNA position 3583, A replaced by G.
Protein change: p.Thr1195Ala; replaces threonine 1195 with alanine.
Molecular consequence: missense variant.
Genome position (GRCh38, 1-based): chr12:49,050,005, T>C on the plus strand (A>G on the coding strand, the complement: KMT2D is on the minus strand). VCF-style: chr12-49050005-T-C. GRCh37 (hg19) VCF-style: chr12-49443788-T-C.
Other names: short protein forms T1195A.
Identifiers: ClinVar variation 2006361 (VCV002006361.5), dbSNP rs1592151543, ClinGen allele CA384656368.
Genomic context (GRCh38, chr12:49,050,005, plus strand): 5'-CACCCTGGCTCAGATTAGAGATCTCGTTAACGATGTCGGATTTGATGAGAGTGGGTGGTG[T>C]GGGGGCCACCGGTGCACGTGGCTCTTCCTGTTCTTCACATGGTGAGCCCTGCCCTGCTGT-3'
Protein context (NP_003473.3, residues 1185-1205): QEEPRAPVAP[Thr1195Ala]PPTLIKSDIV